The following is an entry in ClinVar:

NM_002458.3(MUC5B):c.15721G>A (p.Ala5241Thr)

Gene: MUC5B (mucin 5B, oligomeric mucus/gel-forming; plus strand). Cytogenetic location: 11p15.5.
Variant type: single nucleotide variant.
Coding change: c.15721G>A on transcript NM_002458.3 (MANE Select); coding-DNA position 15721, G replaced by A.
Protein change: p.Ala5241Thr; replaces alanine 5241 with threonine.
Molecular consequence: missense variant.
Genome position (GRCh38, 1-based): chr11:1,255,097, G>A. VCF-style: chr11-1255097-G-A. GRCh37 (hg19) VCF-style: chr11-1276327-G-A.
Other names: short protein forms A5241T.
Identifiers: ClinVar variation 226734 (VCV000226734.7), dbSNP rs3829224, ClinGen allele CA5809162.

ClinVar aggregate classification (germline): Benign. Review status: criteria provided, multiple submitters, no conflicts (2 of 4 stars). 3 submissions from 3 submitters: Benign (3). Last evaluated 2018-11-12.

Allele frequency attached by ClinVar (database versions not stated): ExAC 0.11140; ESP Exome Variant Server 0.02670; TOPMed 0.05218; 1000 Genomes Project 30x 0.12523; 1000 Genomes Project 0.12959; gnomAD 0.03919 and 0.04474; gnomAD exomes 0.06254.
gnomAD v4.1: 36,000 of 1,592,076 alleles (2.3%); highest among the groups gnomAD compares: East Asian, 24%; 2,941 homozygotes.

Submissions (3):

GeneDx
Classification: Benign. Last evaluated: 2018-11-12. Review status: criteria provided, single submitter. Criteria: GeneDx Variant Classification Process June 2021. Collection method: clinical testing. Allele origin: germline. Affected: yes.

Laboratory for Molecular Medicine, Mass General Brigham Personalized Medicine
Classification: Benign. Last evaluated: 2013-02-21. Review status: criteria provided, single submitter. Criteria: LMM Criteria. Collection method: clinical testing. Allele origin: germline. Observed: 4 variant alleles.
Comment: Ala5241Thr in exon 36 of MUC5B: This variant is not expected to have clinical si gnificance because it has been identified in 7.7% (322/4182) of African American chromosomes from a broad population by the NHLBI Exome Sequencing Project (dbSNP rs3829224).

Breakthrough Genomics
Classification: Benign. Review status: criteria provided, single submitter. Criteria: ACMG Guidelines, 2015. Collection method: not provided. Allele origin: germline. Inheritance: Autosomal dominant inheritance. Affected: yes.